The following is an entry in ClinVar:

NM_016239.4(MYO15A):c.3910G>A (p.Asp1304Asn)

Gene: MYO15A (myosin XVA; plus strand). Cytogenetic location: 17p11.2.
Variant type: single nucleotide variant.
Coding change: c.3910G>A on transcript NM_016239.4 (MANE Select); coding-DNA position 3910, G replaced by A.
Protein change: p.Asp1304Asn; replaces aspartic acid 1304 with asparagine.
Molecular consequence: missense variant.
Genome position (GRCh38, 1-based): chr17:18,126,834, G>A. VCF-style: chr17-18126834-G-A. GRCh37 (hg19) VCF-style: chr17-18030148-G-A.
Other names: c.3910G>A (NM_016239.3); short protein forms D1304N.
Identifiers: ClinVar variation 1566848 (VCV001566848.9), dbSNP rs139329625, ClinGen allele CA8423640.

ClinVar aggregate classification (germline): Conflicting classifications of pathogenicity. Review status: criteria provided, conflicting classifications (1 of 4 stars). 2 submissions from 2 submitters: Uncertain significance (1); Likely benign (1). Last evaluated 2025-06-03.

Allele frequency attached by ClinVar (database versions not stated): gnomAD exomes 0.00002 and 0.00006; ExAC 0.00007; gnomAD 0.00015; TOPMed 0.00015; 1000 Genomes Project 30x 0.00047; 1000 Genomes Project 0.00060.
gnomAD v4.1: 58 of 1,613,922 alleles (0.0036%); highest among the groups gnomAD compares: African/African-American, 0.056%; no homozygotes.

Submissions (2):

Labcorp Genetics (formerly Invitae), Labcorp
Classification: Likely benign. Last evaluated: 2025-06-03. Review status: criteria provided, single submitter. Criteria: Invitae Variant Classification Sherloc (09022015). Collection method: clinical testing. Allele origin: germline.

GeneDx
Classification: Uncertain significance. Last evaluated: 2025-03-21. Review status: criteria provided, single submitter. Criteria: GeneDx Variant Classification Process June 2021. Collection method: clinical testing. Allele origin: germline. Affected: yes.
Comment: In silico analysis indicates that this missense variant does not alter protein structure/function; Has not been previously published as pathogenic or benign to our knowledge